The following is an entry in ClinVar:

NM_001369.3(DNAH5):c.4703G>A (p.Arg1568His)

Genes: DNAH5 (dynein axonemal heavy chain 5; minus strand), DNAH5-AS1 (DNAH5 antisense RNA 1; plus strand). Cytogenetic location: 5p15.2.
Variant type: single nucleotide variant.
Coding change: c.4703G>A on transcript NM_001369.3 (MANE Select); coding-DNA position 4703, G replaced by A.
Protein change: p.Arg1568His; replaces arginine 1568 with histidine.
Molecular consequence: missense variant.
Genome position (GRCh38, 1-based): chr5:13,862,641, C>T on the plus strand (G>A on the coding strand, the complement: DNAH5 is on the minus strand). VCF-style: chr5-13862641-C-T. GRCh37 (hg19) VCF-style: chr5-13862750-C-T.
Other names: short protein forms R1568H.
Identifiers: ClinVar variation 351114 (VCV000351114.17), dbSNP rs200994058, ClinGen allele CA3203909.

ClinVar aggregate classification (germline): Conflicting classifications of pathogenicity. Review status: criteria provided, conflicting classifications (1 of 4 stars). 4 submissions from 4 submitters: Uncertain significance (2); Benign (1). 1 of the submissions does not count toward it. Last evaluated 2025-06-04.

Conditions:
Primary ciliary dyskinesia. Also called: Ciliary dyskinesia. Identifiers: Orphanet 244, MedGen C0008780, MONDO:0016575, HP:0012265.
Primary ciliary dyskinesia 3. Identifiers: Orphanet 244, MedGen C1837618, MONDO:0012085, OMIM 608644.

Allele frequency attached by ClinVar (database versions not stated): gnomAD 0.00001 and 0.00003; ESP Exome Variant Server 0.00008; ExAC 0.00010.
gnomAD v4.1: 71 of 1,613,942 alleles (0.0044%); highest among the groups gnomAD compares: East Asian, 0.042%; no homozygotes.

Submissions (4):

Labcorp Genetics (formerly Invitae), Labcorp
Classification: Benign for Primary ciliary dyskinesia. Last evaluated: 2025-06-04. Review status: criteria provided, single submitter. Criteria: Invitae Variant Classification Sherloc (09022015). Collection method: clinical testing. Allele origin: germline.

Ambry Genetics
Classification: Uncertain significance for Primary ciliary dyskinesia. Last evaluated: 2022-08-10. Review status: criteria provided, single submitter. Criteria: Ambry Variant Classification Scheme 2023. Collection method: clinical testing. Allele origin: germline.
Comment: The p.R1568H variant (also known as c.4703G>A), located in coding exon 29 of the DNAH5 gene, results from a G to A substitution at nucleotide position 4703. The arginine at codon 1568 is replaced by histidine, an amino acid with highly similar properties. This amino acid position is conserved. In addition, the in silico prediction for this alteration is inconclusive. Since supporting evidence is limited at this time, the clinical significance of this alteration remains unclear.

Illumina Laboratory Services, Illumina
Classification: Uncertain significance for Primary ciliary dyskinesia 3. Last evaluated: 2018-01-13. Review status: criteria provided, single submitter. Criteria: ICSL Variant Classification Criteria 13 December 2019. Collection method: clinical testing. Allele origin: germline.

Natera, Inc.
Classification: Uncertain significance for Primary ciliary dyskinesia. Last evaluated: 2019-10-28. Review status: no assertion criteria provided. Collection method: clinical testing. Allele origin: germline. Not counted in ClinVar's aggregate classification.